The following is an entry in ClinVar:

NM_152296.5(ATP1A3):c.753G>A (p.Thr251=)

Gene: ATP1A3 (ATPase Na+/K+ transporting subunit alpha 3; minus strand). Cytogenetic location: 19q13.2.
Variant type: single nucleotide variant.
Coding change: c.753G>A on transcript NM_152296.5 (MANE Select); coding-DNA position 753, G replaced by A.
Protein change: p.Thr251=; no amino-acid change (threonine 251 retained).
Molecular consequence: synonymous variant.
Genome position (GRCh38, 1-based): chr19:41,985,158, C>T on the plus strand (G>A on the coding strand, the complement: ATP1A3 is on the minus strand). VCF-style: chr19-41985158-C-T. GRCh37 (hg19) VCF-style: chr19-42489310-C-T.
Other names: c.786G>A, p.Thr262= (NM_001256213.2); c.792G>A, p.Thr264= (NM_001256214.2); c.792G>A (NM_001256214.1).
Identifiers: ClinVar variation 572756 (VCV000572756.13), dbSNP rs782459932, ClinGen allele CA9467781.

ClinVar aggregate classification (germline): Likely benign. Review status: criteria provided, multiple submitters, no conflicts (2 of 4 stars). 3 submissions from 3 submitters: Likely benign (3). Last evaluated 2026-04-08.

Conditions:
ATP1A3-related disorder. Also called: ATP1A3-related condition; ATP1A3-related disorders. Identifiers: MedGen CN381097.
Dystonia 12 (DYT12). Also called: DYT-ATP1A3; Rapid-Onset Dystonia-Parkinsonism (RDP). Identifiers: Orphanet 71517, MedGen C1868681, MONDO:0007496, OMIM 128235.

Allele frequency attached by ClinVar (database versions not stated): ExAC 0.00003; gnomAD 0.00005 and 0.00006; gnomAD exomes 0.00005 and 0.00002; TOPMed 0.00005.

Submissions (3):

PreventionGenetics, part of Exact Sciences
Classification: Likely benign for ATP1A3-related condition. Last evaluated: 2026-04-08. Review status: criteria provided, single submitter. Criteria: ACMG Guidelines, 2015. Collection method: clinical testing. Allele origin: germline.
Comment: This variant is classified as likely benign based on ACMG/AMP sequence variant interpretation guidelines (Richards et al. 2015 PMID: 25741868, with internal and published modifications).

Labcorp Genetics (formerly Invitae), Labcorp
Classification: Likely benign for Dystonia 12. Last evaluated: 2025-12-22. Review status: criteria provided, single submitter. Criteria: Invitae Variant Classification Sherloc (09022015). Collection method: clinical testing. Allele origin: germline.

GeneDx
Classification: Likely benign. Last evaluated: 2021-03-11. Review status: criteria provided, single submitter. Criteria: GeneDx Variant Classification Process June 2021. Collection method: clinical testing. Allele origin: germline. Affected: yes.